The following is an entry in ClinVar:

NM_002661.5(PLCG2):c.3198+6G>T

Gene: PLCG2 (phospholipase C gamma 2; plus strand). Cytogenetic location: 16q23.3.
Variant type: single nucleotide variant.
Coding change: c.3198+6G>T on transcript NM_002661.5 (MANE Select); 6 bases into the intron after coding-DNA position 3198, G replaced by T.
Molecular consequence: intron variant.
Genome position (GRCh38, 1-based): chr16:81,937,909, G>T. VCF-style: chr16-81937909-G-T. GRCh37 (hg19) VCF-style: chr16-81971514-G-T.
Other names: c.3198+6G>T (NM_001425751.1, NM_001425749.1, NM_001425750.1).
Identifiers: ClinVar variation 4821839 (VCV004821839.4).

ClinVar aggregate classification (germline): Likely benign (1 of 4 stars; one submission).

gnomAD v4.1: 4 of 1,613,732 alleles (0.00025%); highest among the groups gnomAD compares: Non-Finnish European, 0.000085%; no homozygotes.

Submission:

CeGaT Center for Human Genetics Tuebingen
Classification: Likely benign. Last evaluated: 2026-01-01. Review status: criteria provided, single submitter. Criteria: CeGaT Center For Human Genetics Tuebingen Variant Classification Criteria Version 2. Collection method: clinical testing. Allele origin: germline. Affected: yes. Observed: 1 variant allele.
Comment: PLCG2: BP4